The following is an entry in ClinVar:

ClinVar aggregate classification (germline): Uncertain significance (1 of 4 stars; one submission).

Conditions:
RASopathy. Also called: Noonan spectrum disorder; rasopathies. Identifiers: Orphanet 536391, MedGen C5555857, MONDO:0021060.

gnomAD v4.1: 1 of 1,613,996 alleles (0.000062%); highest among the groups gnomAD compares: South Asian, 0.0011%; no homozygotes.

Submission:

Labcorp Genetics (formerly Invitae), Labcorp
Classification: Uncertain significance for RASopathy. Last evaluated: 2024-11-19. Review status: criteria provided, single submitter. Criteria: Invitae Variant Classification Sherloc (09022015). Collection method: clinical testing. Allele origin: germline.
Comment: This sequence change replaces proline, which is neutral and non-polar, with threonine, which is neutral and polar, at codon 1276 of the SOS1 protein (p.Pro1276Thr). This variant is not present in population databases (gnomAD no frequency). This variant has not been reported in the literature in individuals affected with SOS1-related conditions. Invitae Evidence Modeling of protein sequence and biophysical properties (such as structural, functional, and spatial information, amino acid conservation, physicochemical variation, residue mobility, and thermodynamic stability) indicates that this missense variant is not expected to disrupt SOS1 protein function with a negative predictive value of 95%. In summary, the available evidence is currently insufficient to determine the role of this variant in disease. Therefore, it has been classified as a Variant of Uncertain Significance.

NM_005633.4(SOS1):c.3826C>A (p.Pro1276Thr)

Gene: SOS1 (SOS Ras/Rac guanine nucleotide exchange factor 1; minus strand). Cytogenetic location: 2p22.1.
Variant type: single nucleotide variant.
Coding change: c.3826C>A on transcript NM_005633.4 (MANE Select); coding-DNA position 3826, C replaced by A.
Protein change: p.Pro1276Thr; replaces proline 1276 with threonine.
Molecular consequence: missense variant.
Genome position (GRCh38, 1-based): chr2:38,986,000, G>T on the plus strand (C>A on the coding strand, the complement: SOS1 is on the minus strand). VCF-style: chr2-38986000-G-T. GRCh37 (hg19) VCF-style: chr2-39213141-G-T.
Other names: c.3805C>A, p.Pro1269Thr (NM_001382394.1); c.3781C>A, p.Pro1261Thr (NM_001382395.1); short protein forms P1261T, P1269T, P1276T.
Identifiers: ClinVar variation 3701788 (VCV003701788.2).